The following is an entry in ClinVar:

ClinVar aggregate classification (germline): Uncertain significance (1 of 4 stars; one submission).

gnomAD v4.1: 7 of 1,613,744 alleles (0.00043%); highest among the groups gnomAD compares: Non-Finnish European, 0.00059%; no homozygotes.

Submission:

Women's Health and Genetics/Laboratory Corporation of America, LabCorp
Classification: Uncertain significance. Last evaluated: 2024-06-18. Review status: criteria provided, single submitter. Criteria: LabCorp Variant Classification Summary - May 2015. Collection method: clinical testing. Allele origin: germline.
Comment: Variant summary: RPGRIP1L c.697A>C (p.Lys233Gln) results in a conservative amino acid change in the encoded protein sequence. Five of five in-silico tools predict a benign effect of the variant on protein function. The variant allele was found at a frequency of 4e-06 in 251112 control chromosomes. The available data on variant occurrences in the general population are insufficient to allow any conclusion about variant significance. To our knowledge, no occurrence of c.697A>C in individuals affected with Joubert Syndrome And Related Disorders and no experimental evidence demonstrating its impact on protein function have been reported. No submitters have cited clinical-significance assessments for this variant to ClinVar. Based on the evidence outlined above, the variant was classified as uncertain significance.

NM_015272.5(RPGRIP1L):c.697A>C (p.Lys233Gln)

Gene: RPGRIP1L (RPGRIP1 like; minus strand). Cytogenetic location: 16q12.2.
Variant type: single nucleotide variant.
Coding change: c.697A>C on transcript NM_015272.5 (MANE Select); coding-DNA position 697, A replaced by C.
Protein change: p.Lys233Gln; replaces lysine 233 with glutamine.
Molecular consequence: missense variant.
Genome position (GRCh38, 1-based): chr16:53,686,512, T>G on the plus strand (A>C on the coding strand, the complement: RPGRIP1L is on the minus strand). VCF-style: chr16-53686512-T-G. GRCh37 (hg19) VCF-style: chr16-53720424-T-G.
Other names: c.697A>C, p.Lys233Gln (NM_001127897.4, NM_001308334.3, NM_001330538.2); short protein forms K233Q.
Identifiers: ClinVar variation 3339999 (VCV003339999.1).
Genomic context (GRCh38, chr16:53,686,512, plus strand): 5'-GTTCTCGAAGCTGAAGAAGAGATAACTCAATTTCATTTTCTTTTCTCCTCAACTGAGTTT[T>G]CAGGATCTCAGCCAAGTGCTCTAACTCCTCTATCTGGCCTCTTTGTGACTGAATAACGTT-3'
Protein context (NP_056087.2, residues 223-243): EELEHLAEIL[Lys233Gln]TQLRRKENEI